The following is an entry in ClinVar:

ClinVar aggregate classification (germline): Uncertain significance (1 of 4 stars; one submission).

Allele frequency attached by ClinVar (database versions not stated): ExAC 0.00001; gnomAD 0.00002; 1000 Genomes Project 30x 0.00031; 1000 Genomes Project 0.00040.
gnomAD v4.1: 9 of 1,614,064 alleles (0.00056%); highest among the groups gnomAD compares: Admixed American, 0.0083%; no homozygotes.

Submission:

Labcorp Genetics (formerly Invitae), Labcorp
Classification: Uncertain significance. Last evaluated: 2022-05-21. Review status: criteria provided, single submitter. Criteria: Invitae Variant Classification Sherloc (09022015). Collection method: clinical testing. Allele origin: germline.
Comment: This sequence change falls in intron 24 of the TRPM1 gene. It does not directly change the encoded amino acid sequence of the TRPM1 protein. It affects a nucleotide within the consensus splice site. This variant is present in population databases (rs374250670, gnomAD 0.003%). This variant has not been reported in the literature in individuals affected with TRPM1-related conditions. Variants that disrupt the consensus splice site are a relatively common cause of aberrant splicing (PMID: 17576681, 9536098). Algorithms developed to predict the effect of sequence changes on RNA splicing suggest that this variant is not likely to affect RNA splicing. In summary, the available evidence is currently insufficient to determine the role of this variant in disease. Therefore, it has been classified as a Variant of Uncertain Significance.

Literature cited by the submitters: PubMed 17576681; PubMed 9536098.

NM_001252024.2(TRPM1):c.3293+4C>T

Genes: TRPM1 (transient receptor potential cation channel subfamily M member 1; minus strand), TRPM1-AS1 (TRPM1 antisense RNA 1; plus strand). Cytogenetic location: 15q13.3.
Variant type: single nucleotide variant.
Coding change: c.3293+4C>T on transcript NM_001252024.2 (MANE Select); 4 bases into the intron after coding-DNA position 3293, C replaced by T.
Molecular consequence: intron variant.
Genome position (GRCh38, 1-based): chr15:31,028,328, G>A on the plus strand (C>T on the coding strand, the complement: TRPM1 is on the minus strand). VCF-style: chr15-31028328-G-A. GRCh37 (hg19) VCF-style: chr15-31320531-G-A.
Other names: c.3344+4C>T (NM_001252020.2); c.3227+4C>T (NM_002420.6).
Identifiers: ClinVar variation 1936774 (VCV001936774.2), dbSNP rs374250670, ClinGen allele CA7451935.
Genomic context (GRCh38, chr15:31,028,328, plus strand): 5'-GATTAAATGGAAAATCTGTACAGTAATAAATAATAAGCATGTGGTCATCGGCTGTGACAC[G>A]TACTTGAACACAGCAATCAGCAGGTTCACCAGCAGGATGTTGGCGACCAGTAGATAGCAC-3'